The following is an entry in ClinVar:

ClinVar aggregate classification (germline): Likely pathogenic (1 of 4 stars; one submission).

Conditions:
Vitelliform macular dystrophy 2. Also called: MACULAR DEGENERATION, POLYMORPHIC VITELLINE; Best vitelliform macular dystrophy, multifocal; Best Macular Dystrophy; Best Vitelliform Macular Dystrophy (BVMD); VITELLIFORM MACULAR DYSTROPHY, EARLY-ONSET; VITELLIFORM MACULAR DYSTROPHY, JUVENILE-ONSET. Identifiers: Orphanet 1243, MedGen C2745945, MONDO:0007931, OMIM 153700.

Submission:

MAGI'S LAB - Medical Genetics Laboratory, MAGI GROUP
Classification: Likely pathogenic for Vitelliform macular dystrophy 2. Last evaluated: 2017-09-11. Review status: criteria provided, single submitter. Criteria: ACMG Guidelines, 2015. Collection method: clinical testing. Allele origin: paternal. Inheritance: Autosomal dominant inheritance. Affected: yes. Observed: 1 variant allele, 1 heterozygote.
Comment: The variation c.26T>G, p.(Val9Gly) found in a patient affected by Best vitelliform macular dystrophy (BVMD) is located in a mutational hot spot, i.e. is a novel missense change at an amino acid residue where different missense changes such as p.(Val9Ala) (Petrukhin et al., 1998; Ponjavic et al., 1999), p.(Val9Met) (Marquardt et al., 1998), p.(Val9Glu) (Maia-Lopes et al., 2008) and p.(Val9Leu) (Kinnick et al., 2011) variants have been associated with BVMD before. Application of ACMG guidelines: PM1 Located in a mutational hot spot and/or critical and well-established functional domain (e.g., active site of an enzyme) without benign variation PM2 Absent from controls (or at extremely low frequency if recessive) (table 6) in Exome Sequencing Project, 1000 Genomes Project, or Exome Aggregation Consortium PM5 Novel missense change at an amino acid residue where a different missense change determined to be pathogenic has been seen before Example: Arg156His is pathogenic; now you observe Arg156Cys PP2 Missense variant in a gene that has a low rate of benign missense variation and in which missense variants are a common mechanism of disease PP3 Multiple lines of computational evidence support a deleterious effect on the gene or gene product (conservation, evolutionary, splicing impact, etc.) PP4 Patientâ€™s phenotype or family history is highly specific for a disease with a single genetic etiology Likely pathogenic >=3 Moderate (PM1-PM6) OR 2 Moderate (PM1-PM6) AND >= 2 supporting (PP1-PP5)

NM_004183.4(BEST1):c.26T>G (p.Val9Gly)

Gene: BEST1 (bestrophin 1; plus strand). Cytogenetic location: 11q12.3.
Variant type: single nucleotide variant.
Coding change: c.26T>G on transcript NM_004183.4 (MANE Select); coding-DNA position 26, T replaced by G.
Protein change: p.Val9Gly; replaces valine 9 with glycine.
Molecular consequence: missense variant. On other transcripts: non-coding transcript variant (1), intron variant (6).
Genome position (GRCh38, 1-based): chr11:61,951,832, T>G. VCF-style: chr11-61951832-T-G. GRCh37 (hg19) VCF-style: chr11-61719304-T-G.
Other names: c.26T>G, p.Val9Gly (NM_001363592.2, NM_001440571.1, NM_001440572.1 and 1 more transcripts); c.-29+1405T>G (NM_001139443.3, NM_001300787.2, NM_001440574.1 and 3 more transcripts); short protein forms V9G.
Identifiers: ClinVar variation 438579 (VCV000438579.2), dbSNP rs281865205, ClinGen allele CA380831072.